The following is an entry in ClinVar:

NM_020631.6(PLEKHG5):c.1019C>T (p.Ala340Val)

Gene: PLEKHG5 (pleckstrin homology and RhoGEF domain containing G5; minus strand). Cytogenetic location: 1p36.31.
Variant type: single nucleotide variant.
Coding change: c.1019C>T on transcript NM_020631.6 (MANE Select); coding-DNA position 1019, C replaced by T.
Protein change: p.Ala340Val; replaces alanine 340 with valine.
Molecular consequence: missense variant.
Genome position (GRCh38, 1-based): chr1:6,472,588, G>A on the plus strand (C>T on the coding strand, the complement: PLEKHG5 is on the minus strand). VCF-style: chr1-6472588-G-A. GRCh37 (hg19) VCF-style: chr1-6532648-G-A.
Other names: c.1130C>T, p.Ala377Val (NM_001042663.3, NM_001265592.2); c.1019C>T, p.Ala340Val (NM_001042664.2, NM_001042665.2, NM_001265594.3 and 1 more transcripts); c.1226C>T, p.Ala409Val (NM_001265593.2); short protein forms A340V, A409V, A377V.
Identifiers: ClinVar variation 468891 (VCV000468891.21), dbSNP rs72861528, ClinGen allele CA561673.

ClinVar aggregate classification (germline): Conflicting classifications of pathogenicity. Review status: criteria provided, conflicting classifications (1 of 4 stars). 3 submissions from 3 submitters: Uncertain significance (1); Likely benign (1). 1 of the submissions does not count toward it. Last evaluated 2026-01-25.

Conditions:
Charcot-Marie-Tooth disease recessive intermediate C. Also called: CHARCOT-MARIE-TOOTH NEUROPATHY, RECESSIVE INTERMEDIATE C. Identifiers: Orphanet 369867, MedGen C3809309, MONDO:0014154, OMIM 615376.
Neuronopathy, distal hereditary motor, autosomal recessive 4. Also called: Autosomal recessive lower motor neuron disease with childhood onset; NEUROPATHY, DISTAL HEREDITARY MOTOR, AUTOSOMAL RECESSIVE 4. Identifiers: Orphanet 206580, MedGen C1970211, MONDO:0012608, OMIM 611067.
PLEKHG5-related disorder. Also called: PLEKHG5-related condition.

Allele frequency attached by ClinVar (database versions not stated): gnomAD exomes 0.00015 and 0.00046; ExAC 0.00062; gnomAD 0.00135 and 0.00138; ESP Exome Variant Server 0.00138; TOPMed 0.00139; 1000 Genomes Project 30x 0.00328; 1000 Genomes Project 0.00339.

Submissions (3):

Labcorp Genetics (formerly Invitae), Labcorp
Classification: Likely benign for Neuronopathy, distal hereditary motor, autosomal recessive 4; Charcot-Marie-Tooth disease recessive intermediate C. Last evaluated: 2026-01-25. Review status: criteria provided, single submitter. Criteria: Invitae Variant Classification Sherloc (09022015). Collection method: clinical testing. Allele origin: germline.

GeneDx
Classification: Uncertain significance. Last evaluated: 2025-06-20. Review status: criteria provided, single submitter. Criteria: GeneDx Variant Classification Process June 2021. Collection method: clinical testing. Allele origin: germline. Affected: yes.
Comment: In silico analysis supports that this missense variant has a deleterious effect on protein structure/function; Has not been previously published as pathogenic or benign to our knowledge

PreventionGenetics, part of Exact Sciences
Classification: Likely benign for PLEKHG5-related condition. Last evaluated: 2019-08-13. Review status: no assertion criteria provided. Collection method: clinical testing. Allele origin: germline. Not counted in ClinVar's aggregate classification.
Comment: This variant is classified as likely benign based on ACMG/AMP sequence variant interpretation guidelines (Richards et al. 2015 PMID: 25741868, with internal and published modifications).